The following is an entry in ClinVar:

ClinVar aggregate classification (germline): Likely benign. Review status: criteria provided, single submitter (1 of 4 stars). 2 submissions from 2 submitters: Likely benign (1). 1 of the submissions does not count toward it. Last evaluated 2025-09-09.

Conditions:
IFT27-related disorder. Also called: IFT27-related condition.

Allele frequency attached by ClinVar (database versions not stated): gnomAD 0.00001; ExAC 0.00002; gnomAD exomes 0.00002.
gnomAD v4.1: 8 of 1,590,650 alleles (0.0005%); highest among the groups gnomAD compares: Admixed American, 0.012%; no homozygotes.

Submissions (2):

Labcorp Genetics (formerly Invitae), Labcorp
Classification: Likely benign. Last evaluated: 2025-09-09. Review status: criteria provided, single submitter. Criteria: Invitae Variant Classification Sherloc (09022015). Collection method: clinical testing. Allele origin: germline.

PreventionGenetics, part of Exact Sciences
Classification: Likely benign for IFT27-related condition. Last evaluated: 2023-11-20. Review status: no assertion criteria provided. Collection method: clinical testing. Allele origin: germline. Not counted in ClinVar's aggregate classification.
Comment: This variant is classified as likely benign based on ACMG/AMP sequence variant interpretation guidelines (Richards et al. 2015 PMID: 25741868, with internal and published modifications).

NM_001177701.3(IFT27):c.352+7G>A

Genes: CACNG2-DT (CACNG2 divergent transcript; plus strand), IFT27 (intraflagellar transport 27; minus strand). Cytogenetic location: 22q12.3.
Variant type: single nucleotide variant.
Coding change: c.352+7G>A on transcript NM_001177701.3 (MANE Select); 7 bases into the intron after coding-DNA position 352, G replaced by A.
Molecular consequence: intron variant.
Genome position (GRCh38, 1-based): chr22:36,763,912, C>T on the plus strand (G>A on the coding strand, the complement: IFT27 is on the minus strand). VCF-style: chr22-36763912-C-T. GRCh37 (hg19) VCF-style: chr22-37159956-C-T.
Other names: c.352+7G>A (NM_001363003.2); c.349+7G>A (NM_006860.5, NM_006860.4).
Identifiers: ClinVar variation 1092552 (VCV001092552.11), dbSNP rs758046955, ClinGen allele CA10212401.